The following is an entry in ClinVar:

NM_000603.5(NOS3):c.801C>T (p.Asn267=)

Gene: NOS3 (nitric oxide synthase 3; plus strand). Cytogenetic location: 7q36.1.
Variant type: single nucleotide variant.
Coding change: c.801C>T on transcript NM_000603.5 (MANE Select); coding-DNA position 801, C replaced by T.
Protein change: p.Asn267=; no amino-acid change (asparagine 267 retained).
Molecular consequence: synonymous variant.
Genome position (GRCh38, 1-based): chr7:150,998,665, C>T. VCF-style: chr7-150998665-C-T. GRCh37 (hg19) VCF-style: chr7-150695753-C-T.
Other names: c.801C>T, p.Asn267= (NM_001160109.2, NM_001160110.1, NM_001160111.1).
Identifiers: ClinVar variation 780126 (VCV000780126.5), dbSNP rs35281220, ClinGen allele CA4566743.

ClinVar aggregate classification (germline): Likely benign. Review status: criteria provided, multiple submitters, no conflicts (2 of 4 stars). 2 submissions from 2 submitters: Likely benign (2). Last evaluated 2025-07-02.

Conditions:
NOS3-related disorder. Also called: NOS3-related condition.

Allele frequency attached by ClinVar (database versions not stated): gnomAD exomes 0.00002 and 0.00006; ExAC 0.00007; gnomAD 0.00016 and 0.00018; TOPMed 0.00022; ESP Exome Variant Server 0.00023.
gnomAD v4.1: 98 of 1,607,588 alleles (0.0061%); highest among the groups gnomAD compares: African/African-American, 0.031%; 1 homozygote.

Submissions (2):

PreventionGenetics, part of Exact Sciences
Classification: Likely benign for NOS3-related condition. Last evaluated: 2025-07-02. Review status: criteria provided, single submitter. Criteria: ACMG Guidelines, 2015. Collection method: clinical testing. Allele origin: germline.
Comment: This variant is classified as likely benign based on ACMG/AMP sequence variant interpretation guidelines (Richards et al. 2015 PMID: 25741868, with internal and published modifications).

Labcorp Genetics (formerly Invitae), Labcorp
Classification: Likely benign. Last evaluated: 2019-12-31. Review status: criteria provided, single submitter. Criteria: Invitae Variant Classification Sherloc (09022015). Collection method: clinical testing. Allele origin: germline.